The following is an entry in ClinVar:

ClinVar aggregate classification (germline): Benign/Likely benign. Review status: criteria provided, multiple submitters, no conflicts (2 of 4 stars). 3 submissions from 3 submitters: Benign (1); Likely benign (2). Last evaluated 2025-06-21.

Conditions:
Hereditary cancer-predisposing syndrome. Also called: Tumor predisposition; Hereditary neoplastic syndrome; Neoplastic Syndromes, Hereditary; Hereditary Cancer Syndrome. Identifiers: Orphanet 140162, MedGen C0027672, MeSH D009386, MONDO:0015356.
Hereditary diffuse gastric adenocarcinoma (HDGC). Also called: DIFFUSE GASTRIC AND LOBULAR BREAST CANCER SYNDROME. Identifiers: Orphanet 26106, MedGen C1708349, MONDO:0007648, OMIM 137215.

Submissions (3):

Ambry Genetics
Classification: Likely benign for Hereditary cancer-predisposing syndrome. Last evaluated: 2025-06-21. Review status: criteria provided, single submitter. Criteria: Ambry Variant Classification Scheme 2023. Collection method: clinical testing. Allele origin: germline.

Myriad Genetics, Inc.
Classification: Benign for Hereditary diffuse gastric adenocarcinoma. Last evaluated: 2024-09-19. Review status: criteria provided, single submitter. Criteria: Myriad Autosomal Dominant, Autosomal Recessive and X-Linked Classification Criteria (2023). Collection method: clinical testing. Allele origin: unknown.
Comment: This variant is considered benign. This variant is a silent/synonymous amino acid change and it is not expected to impact splicing.

Labcorp Genetics (formerly Invitae), Labcorp
Classification: Likely benign for Hereditary diffuse gastric adenocarcinoma. Last evaluated: 2024-07-19. Review status: criteria provided, single submitter. Criteria: Invitae Variant Classification Sherloc (09022015). Collection method: clinical testing. Allele origin: germline.

NM_004360.5(CDH1):c.1545A>G (p.Thr515=)

Gene: CDH1 (cadherin 1; plus strand). Cytogenetic location: 16q22.1.
Variant type: single nucleotide variant.
Coding change: c.1545A>G on transcript NM_004360.5 (MANE Select); coding-DNA position 1545, A replaced by G.
Protein change: p.Thr515=; no amino-acid change (threonine 515 retained).
Molecular consequence: synonymous variant. On other transcripts: 5 prime UTR variant (2).
Genome position (GRCh38, 1-based): chr16:68,815,739, A>G. VCF-style: chr16-68815739-A-G. GRCh37 (hg19) VCF-style: chr16-68849642-A-G.
Other names: c.1362A>G, p.Thr454= (NM_001317184.2); c.-4A>G (NM_001317185.2); c.-275A>G (NM_001317186.2); c.1545A>G (NM_004360.3).
Identifiers: ClinVar variation 1639858 (VCV001639858.10), dbSNP rs2152135137, ClinGen allele CA496154132.
Genomic context (GRCh38, chr16:68,815,739, plus strand): 5'-GTCCGAGGACTTTGGCGTGGGCCAGGAAATCACATCCTACACTGCCCAGGAGCCAGACAC[A>G]TTTATGGAACAGAAAATAACGTAAGTGTGAGGATTTTTCAACTGACTTGCAGCAACTGGT-3'
Protein context (NP_004351.1, residues 505-525): ITSYTAQEPD[Thr515=]FMEQKITYRI